The following is an entry in ClinVar:

ClinVar aggregate classification (germline): Conflicting classifications of pathogenicity. Review status: criteria provided, conflicting classifications (1 of 4 stars). 2 submissions from 2 submitters: Uncertain significance (1); Likely benign (1). Last evaluated 2024-03-06.

Conditions:
Hereditary diffuse gastric adenocarcinoma (HDGC). Also called: DIFFUSE GASTRIC AND LOBULAR BREAST CANCER SYNDROME. Identifiers: Orphanet 26106, MedGen C1708349, MONDO:0007648, OMIM 137215.
Hereditary cancer-predisposing syndrome. Also called: Hereditary neoplastic syndrome; Tumor predisposition; Neoplastic Syndromes, Hereditary; Hereditary Cancer Syndrome. Identifiers: Orphanet 140162, MedGen C0027672, MeSH D009386, MONDO:0015356.

Submissions (2):

Labcorp Genetics (formerly Invitae), Labcorp
Classification: Uncertain significance for Hereditary diffuse gastric adenocarcinoma. Last evaluated: 2024-03-06. Review status: criteria provided, single submitter. Criteria: Invitae Variant Classification Sherloc (09022015). Collection method: clinical testing. Allele origin: germline.
Comment: This sequence change replaces lysine, which is basic and polar, with glutamic acid, which is acidic and polar, at codon 314 of the CDH1 protein (p.Lys314Glu). This variant is not present in population databases (gnomAD no frequency). This variant has not been reported in the literature in individuals affected with CDH1-related conditions. ClinVar contains an entry for this variant (Variation ID: 949575). Algorithms developed to predict the effect of missense changes on protein structure and function output the following: SIFT: "Not Available"; PolyPhen-2: "Benign"; Align-GVGD: "Not Available". The glutamic acid amino acid residue is found in multiple mammalian species, which suggests that this missense change does not adversely affect protein function. In summary, the available evidence is currently insufficient to determine the role of this variant in disease. Therefore, it has been classified as a Variant of Uncertain Significance.

Ambry Genetics
Classification: Likely benign for Hereditary cancer-predisposing syndrome. Last evaluated: 2024-02-07. Review status: criteria provided, single submitter. Criteria: Ambry Variant Classification Scheme 2023. Collection method: clinical testing. Allele origin: germline.

NM_004360.5(CDH1):c.940A>G (p.Lys314Glu)

Gene: CDH1 (cadherin 1; plus strand). Cytogenetic location: 16q22.1.
Variant type: single nucleotide variant.
Coding change: c.940A>G on transcript NM_004360.5 (MANE Select); coding-DNA position 940, A replaced by G.
Protein change: p.Lys314Glu; replaces lysine 314 with glutamic acid.
Molecular consequence: missense variant. On other transcripts: 5 prime UTR variant (2).
Genome position (GRCh38, 1-based): chr16:68,811,791, A>G. VCF-style: chr16-68811791-A-G. GRCh37 (hg19) VCF-style: chr16-68845694-A-G.
Other names: c.940A>G, p.Lys314Glu (NM_001317184.2); c.-676A>G (NM_001317185.2); c.-880A>G (NM_001317186.2); short protein forms K314E.
Identifiers: ClinVar variation 949575 (VCV000949575.12), dbSNP rs1131690820, ClinGen allele CA396459762.